The following is an entry in ClinVar:

NM_014319.5(LEMD3):c.2573-3C>G

Gene: LEMD3 (LEM domain containing 3; plus strand). Cytogenetic location: 12q14.3.
Variant type: single nucleotide variant.
Coding change: c.2573-3C>G on transcript NM_014319.5 (MANE Select); 3 bases into the intron before coding-DNA position 2573, C replaced by G.
Molecular consequence: intron variant.
Genome position (GRCh38, 1-based): chr12:65,246,159, C>G. VCF-style: chr12-65246159-C-G. GRCh37 (hg19) VCF-style: chr12-65639939-C-G.
Other names: c.2570-3C>G (NM_001167614.2).
Identifiers: ClinVar variation 1488328 (VCV001488328.8), dbSNP rs2136358944, ClinGen allele CA2573148984.

ClinVar aggregate classification (germline): Likely pathogenic (1 of 4 stars; one submission).

Submission:

Labcorp Genetics (formerly Invitae), Labcorp
Classification: Likely pathogenic. Last evaluated: 2021-03-25. Review status: criteria provided, single submitter. Criteria: Invitae Variant Classification Sherloc (09022015). Collection method: clinical testing. Allele origin: germline.
Comment: In summary, the currently available evidence indicates that the variant is pathogenic, but additional data are needed to prove that conclusively. Therefore, this variant has been classified as Likely Pathogenic. Nucleotide substitutions within the consensus splice site are a relatively common cause of aberrant splicing (PMID: 17576681, 9536098). Algorithms developed to predict the effect of sequence changes on RNA splicing suggest that this variant may disrupt the consensus splice site, but this prediction has not been confirmed by published transcriptional studies. This variant has been observed in individual(s) with Buschke Ollendorff syndrome (Invitae). In at least one individual the variant was observed to be de novo. This variant is not present in population databases (ExAC no frequency). This sequence change falls in intron 12 of the LEMD3 gene. It does not directly change the encoded amino acid sequence of the LEMD3 protein. It affects a nucleotide within the consensus splice site of the intron.

Literature cited by the submitters: PubMed 17576681; PubMed 9536098.